The following is an entry in ClinVar:

ClinVar aggregate classification (germline): Uncertain significance (1 of 4 stars; one submission).

Submission:

Ambry Genetics
Classification: Uncertain significance. Last evaluated: 2024-04-24. Review status: criteria provided, single submitter. Criteria: Ambry Variant Classification Scheme 2023. Collection method: clinical testing. Allele origin: germline.
Comment: The p.G716V variant (also known as c.2147G>T), located in coding exon 4 of the ALPK2 gene, results from a G to T substitution at nucleotide position 2147. The glycine at codon 716 is replaced by valine, an amino acid with dissimilar properties. This amino acid position is conserved. In addition, this alteration is predicted to be tolerated by in silico analysis. Based on the available evidence, the clinical significance of this variant remains unclear.

NM_052947.4(ALPK2):c.2147G>T (p.Gly716Val)

Gene: ALPK2 (alpha kinase 2; minus strand). Cytogenetic location: 18q21.31.
Variant type: single nucleotide variant.
Coding change: c.2147G>T on transcript NM_052947.4 (MANE Select); coding-DNA position 2147, G replaced by T.
Protein change: p.Gly716Val; replaces glycine 716 with valine.
Molecular consequence: missense variant.
Genome position (GRCh38, 1-based): chr18:58,538,040, C>A on the plus strand (G>T on the coding strand, the complement: ALPK2 is on the minus strand). VCF-style: chr18-58538040-C-A. GRCh37 (hg19) VCF-style: chr18-56205272-C-A.
Other names: short protein forms G716V.
Identifiers: ClinVar variation 3288566 (VCV003288566.1).